The following is an entry in ClinVar:

NM_018979.4(WNK1):c.3350G>A (p.Arg1117His)

Gene: WNK1 (WNK lysine deficient protein kinase 1; plus strand). Cytogenetic location: 12p13.33.
Variant type: single nucleotide variant.
Coding change: c.3350G>A on transcript NM_018979.4 (MANE Select); coding-DNA position 3350, G replaced by A.
Protein change: p.Arg1117His; replaces arginine 1117 with histidine.
Molecular consequence: missense variant.
Genome position (GRCh38, 1-based): chr12:882,051, G>A. VCF-style: chr12-882051-G-A. GRCh37 (hg19) VCF-style: chr12-991217-G-A.
Other names: c.4130G>A, p.Arg1377His (NM_001184985.2); c.2609G>A, p.Arg870His (NM_014823.3); c.4106G>A, p.Arg1369His (NM_213655.5); short protein forms R1369H, R870H, R1117H, R1377H.
Identifiers: ClinVar variation 2936862 (VCV002936862.3), dbSNP rs755308166, ClinGen allele CA231477843.

ClinVar aggregate classification (germline): Uncertain significance (1 of 4 stars; one submission).

Conditions:
Neuropathy, hereditary sensory and autonomic, type 2A (HSAN2A). Also called: ACROOSTEOLYSIS, GIACCAI TYPE; ACROOSTEOLYSIS, NEUROGENIC; MORVAN DISEASE; NEUROPATHY, CONGENITAL SENSORY; NEUROPATHY, HEREDITARY SENSORY RADICULAR, AUTOSOMAL RECESSIVE; NEUROPATHY, HEREDITARY SENSORY, TYPE IIA. Identifiers: Orphanet 970, MedGen C2752089, MONDO:0024309, OMIM 201300.
Pseudohypoaldosteronism type 2C (PHA2C). Also called: Pseudohypoaldosteronism Type IIC. Identifiers: Orphanet 757, Orphanet 88940, MedGen C1840391, MONDO:0013778, OMIM 614492.

Submission:

Labcorp Genetics (formerly Invitae), Labcorp
Classification: Uncertain significance for Neuropathy, hereditary sensory and autonomic, type 2A; Pseudohypoaldosteronism type 2C. Last evaluated: 2023-05-11. Review status: criteria provided, single submitter. Criteria: Invitae Variant Classification Sherloc (09022015). Collection method: clinical testing. Allele origin: germline.
Comment: In summary, the available evidence is currently insufficient to determine the role of this variant in disease. Therefore, it has been classified as a Variant of Uncertain Significance. Advanced modeling of protein sequence and biophysical properties (such as structural, functional, and spatial information, amino acid conservation, physicochemical variation, residue mobility, and thermodynamic stability) performed at Invitae indicates that this missense variant is not expected to disrupt WNK1 protein function. This variant has not been reported in the literature in individuals affected with WNK1-related conditions. This variant is not present in population databases (gnomAD no frequency). This sequence change replaces arginine, which is basic and polar, with histidine, which is basic and polar, at codon 1369 of the WNK1 protein (p.Arg1369His).